The following is an entry in ClinVar:

ClinVar aggregate classification (germline): Uncertain significance (1 of 4 stars; one submission).

Allele frequency attached by ClinVar (database versions not stated): TOPMed below 0.00001; ExAC 0.00001; gnomAD 0.00001; gnomAD exomes 0.00001.
gnomAD v4.1: 9 of 1,614,052 alleles (0.00056%); highest among the groups gnomAD compares: South Asian, 0.0055%; no homozygotes.

Submission:

Labcorp Genetics (formerly Invitae), Labcorp
Classification: Uncertain significance. Last evaluated: 2022-11-01. Review status: criteria provided, single submitter. Criteria: Invitae Variant Classification Sherloc (09022015). Collection method: clinical testing. Allele origin: germline.
Comment: In summary, the available evidence is currently insufficient to determine the role of this variant in disease. Therefore, it has been classified as a Variant of Uncertain Significance. Algorithms developed to predict the effect of missense changes on protein structure and function (SIFT, PolyPhen-2, Align-GVGD) all suggest that this variant is likely to be tolerated. This variant has not been reported in the literature in individuals affected with NPAT-related conditions. This variant is present in population databases (rs780783767, gnomAD 0.003%). This sequence change replaces cysteine, which is neutral and slightly polar, with tyrosine, which is neutral and polar, at codon 438 of the NPAT protein (p.Cys438Tyr).

NM_002519.3(NPAT):c.1313G>A (p.Cys438Tyr)

Gene: NPAT (nuclear protein, coactivator of histone transcription; minus strand). Cytogenetic location: 11q22.3.
Variant type: single nucleotide variant.
Coding change: c.1313G>A on transcript NM_002519.3 (MANE Select); coding-DNA position 1313, G replaced by A.
Protein change: p.Cys438Tyr; replaces cysteine 438 with tyrosine.
Molecular consequence: missense variant.
Genome position (GRCh38, 1-based): chr11:108,173,671, C>T on the plus strand (G>A on the coding strand, the complement: NPAT is on the minus strand). VCF-style: chr11-108173671-C-T. GRCh37 (hg19) VCF-style: chr11-108044398-C-T.
Other names: c.1313G>A, p.Cys438Tyr (NM_001321307.1); short protein forms C438Y.
Identifiers: ClinVar variation 2998187 (VCV002998187.3), dbSNP rs780783767, ClinGen allele CA6264023.